The following is an entry in ClinVar:

ClinVar aggregate classification (germline): Uncertain significance (1 of 4 stars; one submission).

Conditions:
MHC class I deficiency. Identifiers: Orphanet 34592, MedGen C6024714, MONDO:0011476.

Allele frequency attached by ClinVar (database versions not stated): gnomAD exomes below 0.00001; ExAC 0.00001; gnomAD 0.00002; TOPMed 0.00003.
gnomAD v4.1: 38 of 1,612,830 alleles (0.0024%); highest among the groups gnomAD compares: African/African-American, 0.004%; no homozygotes.

Submission:

Labcorp Genetics (formerly Invitae), Labcorp
Classification: Uncertain significance for MHC class I deficiency 1. Last evaluated: 2022-04-14. Review status: criteria provided, single submitter. Criteria: Invitae Variant Classification Sherloc (09022015). Collection method: clinical testing. Allele origin: germline.
Comment: This sequence change replaces glycine, which is neutral and non-polar, with arginine, which is basic and polar, at codon 378 of the TAP1 protein (p.Gly378Arg). This variant is present in population databases (rs781031767, gnomAD 0.007%). This variant has not been reported in the literature in individuals affected with TAP1-related conditions. Algorithms developed to predict the effect of missense changes on protein structure and function are either unavailable or do not agree on the potential impact of this missense change (SIFT: "Deleterious"; PolyPhen-2: "Possibly Damaging"; Align-GVGD: "Class C0"). Algorithms developed to predict the effect of sequence changes on RNA splicing suggest that this variant may create or strengthen a splice site. In summary, the available evidence is currently insufficient to determine the role of this variant in disease. Therefore, it has been classified as a Variant of Uncertain Significance.

NM_000593.6(TAP1):c.952G>A (p.Gly318Arg)

Gene: TAP1 (transporter 1, ATP binding cassette subfamily B member; minus strand). Cytogenetic location: 6p21.32.
Variant type: single nucleotide variant.
Coding change: c.952G>A on transcript NM_000593.6 (MANE Select); coding-DNA position 952, G replaced by A.
Protein change: p.Gly318Arg; replaces glycine 318 with arginine.
Molecular consequence: missense variant.
Genome position (GRCh38, 1-based): chr6:32,851,042, C>T on the plus strand (G>A on the coding strand, the complement: TAP1 is on the minus strand). VCF-style: chr6-32851042-C-T. GRCh37 (hg19) VCF-style: chr6-32818819-C-T.
Other names: c.349G>A, p.Gly117Arg (NM_001292022.2); short protein forms G117R, G318R.
Identifiers: ClinVar variation 1504577 (VCV001504577.5), dbSNP rs781031767, ClinGen allele CA3746891.
Genomic context (GRCh38, chr6:32,851,042, plus strand): 5'-GCAGAGGCAGGGTGATCAGGGTGACCATGGTGAGGGACACTGATCCCCAGAGCATGATCC[C>T]CAAGAGACATAGGCCTCGCACCAGGTACCACAGAAATAAGCTCAGATTCTCACTCAGAGA-3'
Protein context (NP_000584.3, residues 308-328): WYLVRGLCLL[Gly318Arg]IMLWGSVSLT